The following is an entry in ClinVar:

ClinVar aggregate classification (germline): Uncertain significance (1 of 4 stars; one submission).

Conditions:
Lissencephaly 9 with complex brainstem malformation. Identifiers: Orphanet 572013, MedGen C5193029, MONDO:0032677, OMIM 618325.

Allele frequency attached by ClinVar (database versions not stated): gnomAD exomes below 0.00001; gnomAD 0.00001.
gnomAD v4.1: 7 of 1,613,956 alleles (0.00043%); highest among the groups gnomAD compares: East Asian, 0.0022%; no homozygotes.

Submission:

Centre for Mendelian Genomics, University Medical Centre Ljubljana
Classification: Uncertain significance for Lissencephaly 9 with complex brainstem malformation. Last evaluated: 2019-12-24. Review status: criteria provided, single submitter. Criteria: ACMG Guidelines, 2015. Collection method: clinical testing. Allele origin: unknown. Affected: yes.
Comment: This variant was classified as: Uncertain significance. The available evidence on this variant's pathogenicity is insufficient or conflicting. The following ACMG criteria were applied in classifying this variant: PM2,PP3.

NM_001394062.1(MACF1):c.19229T>C (p.Met6410Thr)

Gene: MACF1 (microtubule actin crosslinking factor 1; plus strand). Cytogenetic location: 1p34.3.
Variant type: single nucleotide variant.
Coding change: c.19229T>C on transcript NM_001394062.1 (MANE Select); coding-DNA position 19229, T replaced by C.
Protein change: p.Met6410Thr; replaces methionine 6410 with threonine.
Molecular consequence: missense variant.
Genome position (GRCh38, 1-based): chr1:39,442,838, T>C. VCF-style: chr1-39442838-T-C. GRCh37 (hg19) VCF-style: chr1-39908510-T-C.
Other names: c.13052T>C, p.Met4351Thr (NM_012090.5); short protein forms M4351T, M6410T.
Identifiers: ClinVar variation 930813 (VCV000930813.3), dbSNP rs1644147317, ClinGen allele CA339814959.